The following is an entry in ClinVar:

NM_001039213.4(CEACAM16):c.648C>A (p.Asn216Lys)

Genes: CEACAM16 (CEA cell adhesion molecule 16, tectorial membrane component; plus strand), CEACAM16-AS1 (CEACAM16, CEACAM19 and PVR antisense RNA 1; minus strand). Cytogenetic location: 19q13.32.
Variant type: single nucleotide variant.
Coding change: c.648C>A on transcript NM_001039213.4 (MANE Select); coding-DNA position 648, C replaced by A.
Protein change: p.Asn216Lys; replaces asparagine 216 with lysine.
Molecular consequence: missense variant.
Genome position (GRCh38, 1-based): chr19:44,704,283, C>A. VCF-style: chr19-44704283-C-A. GRCh37 (hg19) VCF-style: chr19-45207553-C-A.
Other names: short protein forms N216K.
Identifiers: ClinVar variation 2090750 (VCV002090750.4), dbSNP rs2513588731, ClinGen allele CA406288963.

ClinVar aggregate classification (germline): Uncertain significance (1 of 4 stars; one submission).

Allele frequency attached by ClinVar (database versions not stated): gnomAD exomes below 0.00001.
gnomAD v4.1: 1 of 1,517,236 alleles (0.000066%); highest among the groups gnomAD compares: South Asian, 0.0012%; no homozygotes.

Submission:

Labcorp Genetics (formerly Invitae), Labcorp
Classification: Uncertain significance. Last evaluated: 2022-01-28. Review status: criteria provided, single submitter. Criteria: Invitae Variant Classification Sherloc (09022015). Collection method: clinical testing. Allele origin: germline.
Comment: In summary, the available evidence is currently insufficient to determine the role of this variant in disease. Therefore, it has been classified as a Variant of Uncertain Significance. Algorithms developed to predict the effect of missense changes on protein structure and function (SIFT, PolyPhen-2, Align-GVGD) all suggest that this variant is likely to be tolerated. This variant has not been reported in the literature in individuals affected with CEACAM16-related conditions. This variant is not present in population databases (gnomAD no frequency). This sequence change replaces asparagine, which is neutral and polar, with lysine, which is basic and polar, at codon 216 of the CEACAM16 protein (p.Asn216Lys).